The following is an entry in ClinVar:

NM_021098.3(CACNA1H):c.528C>T (p.Phe176=)

Gene: CACNA1H (calcium voltage-gated channel subunit alpha1 H; plus strand). Cytogenetic location: 16p13.3.
Variant type: single nucleotide variant.
Coding change: c.528C>T on transcript NM_021098.3 (MANE Select); coding-DNA position 528, C replaced by T.
Protein change: p.Phe176=; no amino-acid change (phenylalanine 176 retained).
Molecular consequence: synonymous variant.
Genome position (GRCh38, 1-based): chr16:1,195,548, C>T. VCF-style: chr16-1195548-C-T. GRCh37 (hg19) VCF-style: chr16-1245548-C-T.
Other names: c.528C>T, p.Phe176= (NM_001005407.2).
Identifiers: ClinVar variation 749287 (VCV000749287.34), dbSNP rs763776082, ClinGen allele CA7799456.
Genomic context (GRCh38, chr16:1,195,548, plus strand): 5'-GGCCTTGGGGCTGTTCGGGCAGAAGTGTTACCTGGGTGACACGTGGAACAGGCTGGATTT[C>T]TTCATCGTCGTGGCGGGGTAGGCCCCGCCTGGGAGAGGCCACAGCGCTGGCGAAGGGGCC-3'
Protein context (NP_066921.2, residues 166-186): YLGDTWNRLD[Phe176=]FIVVAGMMEY

ClinVar aggregate classification (germline): Likely benign. Review status: criteria provided, multiple submitters, no conflicts (2 of 4 stars). 2 submissions from 2 submitters: Likely benign (2). Last evaluated 2024-11-03.

Conditions:
Hyperaldosteronism, familial, type IV (HALD4). Also called: FH IV; ALDOSTERONISM, PRIMARY, AND HYPERTENSION. Identifiers: Orphanet 642671, MedGen C4310756, MONDO:0014875, OMIM 617027.
Idiopathic generalized epilepsy. Also called: EIG; Generalised epilepsy. Identifiers: MedGen C0270850, MONDO:0005579, OMIM 600669.

Allele frequency attached by ClinVar (database versions not stated): gnomAD 0.00001 and 0.00002; ExAC 0.00002; TOPMed 0.00004.
gnomAD v4.1: 9 of 1,604,890 alleles (0.00056%); highest among the groups gnomAD compares: African/African-American, 0.0053%; no homozygotes.

Submissions (2):

Labcorp Genetics (formerly Invitae), Labcorp
Classification: Likely benign for Idiopathic generalized epilepsy; Hyperaldosteronism, familial, type IV. Last evaluated: 2024-11-03. Review status: criteria provided, single submitter. Criteria: Invitae Variant Classification Sherloc (09022015). Collection method: clinical testing. Allele origin: germline.

CeGaT Center for Human Genetics Tuebingen
Classification: Likely benign. Last evaluated: 2022-10-01. Review status: criteria provided, single submitter. Criteria: CeGaT Center For Human Genetics Tuebingen Variant Classification Criteria Version 2. Collection method: clinical testing. Allele origin: germline. Affected: yes. Observed: 1 variant allele.
Comment: CACNA1H: BP4, BP7